The following is an entry in ClinVar:

ClinVar aggregate classification (germline): Uncertain significance (1 of 4 stars; one submission).

Submission:

GeneDx
Classification: Uncertain significance. Last evaluated: 2019-10-06. Review status: criteria provided, single submitter. Criteria: GeneDx Variant Classification Process June 2021. Collection method: clinical testing. Allele origin: germline. Affected: yes.
Comment: Not observed in large population cohorts (Lek et al., 2016); In silico analysis, which includes protein predictors and evolutionary conservation, supports that this variant does not alter protein structure/function; Has not been previously published as pathogenic or benign to our knowledge

NM_004369.4(COL6A3):c.5550T>G (p.Asn1850Lys)

Gene: COL6A3 (collagen type VI alpha 3 chain; minus strand). Cytogenetic location: 2q37.3.
Variant type: single nucleotide variant.
Coding change: c.5550T>G on transcript NM_004369.4 (MANE Select); coding-DNA position 5550, T replaced by G.
Protein change: p.Asn1850Lys; replaces asparagine 1850 with lysine.
Molecular consequence: missense variant.
Genome position (GRCh38, 1-based): chr2:237,365,986, A>C on the plus strand (T>G on the coding strand, the complement: COL6A3 is on the minus strand). VCF-style: chr2-237365986-A-C. GRCh37 (hg19) VCF-style: chr2-238274629-A-C.
Other names: c.4932T>G, p.Asn1644Lys (NM_057167.4); c.3729T>G, p.Asn1243Lys (NM_057166.5); short protein forms N1243K, N1644K, N1850K.
Identifiers: ClinVar variation 1189517 (VCV001189517.2), dbSNP rs1482232293, ClinGen allele CA351186280.